The following is an entry in ClinVar:

ClinVar aggregate classification (germline): Uncertain significance (1 of 4 stars; one submission).

Submission:

Labcorp Genetics (formerly Invitae), Labcorp
Classification: Uncertain significance. Last evaluated: 2025-07-07. Review status: criteria provided, single submitter. Criteria: Invitae Variant Classification Sherloc (09022015). Collection method: clinical testing. Allele origin: germline.
Comment: This sequence change replaces methionine, which is neutral and non-polar, with threonine, which is neutral and polar, at codon 3046 of the HERC1 protein (p.Met3046Thr). This variant is not present in population databases (gnomAD no frequency). This variant has not been reported in the literature in individuals affected with HERC1-related conditions. Invitae Evidence Modeling of protein sequence and biophysical properties (such as structural, functional, and spatial information, amino acid conservation, physicochemical variation, residue mobility, and thermodynamic stability) has been performed for this missense variant. However, the output from this modeling did not meet the statistical confidence thresholds required to predict the impact of this variant on HERC1 protein function. In summary, the available evidence is currently insufficient to determine the role of this variant in disease. Therefore, it has been classified as a Variant of Uncertain Significance.

NM_003922.4(HERC1):c.9137T>C (p.Met3046Thr)

Gene: HERC1 (HECT and RLD domain containing E3 ubiquitin protein ligase family member 1; minus strand). Cytogenetic location: 15q22.31.
Variant type: single nucleotide variant.
Coding change: c.9137T>C on transcript NM_003922.4 (MANE Select); coding-DNA position 9137, T replaced by C.
Protein change: p.Met3046Thr; replaces methionine 3046 with threonine.
Molecular consequence: missense variant.
Genome position (GRCh38, 1-based): chr15:63,661,786, A>G on the plus strand (T>C on the coding strand, the complement: HERC1 is on the minus strand). VCF-style: chr15-63661786-A-G. GRCh37 (hg19) VCF-style: chr15-63953985-A-G.
Other names: short protein forms M3046T.
Identifiers: ClinVar variation 4804359 (VCV004804359.1).
Genomic context (GRCh38, chr15:63,661,786, plus strand): 5'-CTGGATATCTACACAATTTCAAGGTACCTTTCAGAACTTGTTGACTTAGATTTGGTCTTC[A>G]TGGCTAAGTACTTCTCCCTGCAGGTGCCACATAACAGGTAGTACGGATTTCCACTCCCAC-3'
Protein context (NP_003913.3, residues 3036-3056): CGTCREKYLA[Met3046Thr]KTKSKSTSSE